The following is an entry in ClinVar:

ClinVar aggregate classification (germline): Likely benign (1 of 4 stars; one submission).

Submission:

CeGaT Center for Human Genetics Tuebingen
Classification: Likely benign. Last evaluated: 2024-01-01. Review status: criteria provided, single submitter. Criteria: CeGaT Center For Human Genetics Tuebingen Variant Classification Criteria Version 2. Collection method: clinical testing. Allele origin: germline. Affected: yes. Observed: 1 variant allele.
Comment: FANCD2: PM2:Supporting, BP4, BP7

NM_001018115.3(FANCD2):c.3753T>C (p.Pro1251=)

Genes: FANCD2 (FA complementation group D2; plus strand), FANCD2OS (FANCD2 opposite strand; minus strand). Cytogenetic location: 3p25.3.
Variant type: single nucleotide variant.
Coding change: c.3753T>C on transcript NM_001018115.3 (MANE Select); coding-DNA position 3753, T replaced by C.
Protein change: p.Pro1251=; no amino-acid change (proline 1251 retained).
Molecular consequence: synonymous variant. On other transcripts: intron variant (1).
Genome position (GRCh38, 1-based): chr3:10,090,361, T>C. VCF-style: chr3-10090361-T-C. GRCh37 (hg19) VCF-style: chr3-10132045-T-C.
Other names: c.3753T>C, p.Pro1251= (NM_001319984.2, NM_001374254.1, NM_033084.6); c.3642T>C, p.Pro1214= (NM_001374253.1); c.*44-8830A>G (NM_173472.2).
Identifiers: ClinVar variation 3027066 (VCV003027066.20), dbSNP rs2470057303, ClinGen allele CA432418042.